The following is an entry in ClinVar:

ClinVar aggregate classification (germline): Pathogenic (1 of 4 stars; one submission).

Conditions:
Neurofibromatosis, type 1 (NF1). Also called: Peripheral type neurofibromatosis; VON RECKLINGHAUSEN DISEASE; NEUROFIBROMATOSIS, TYPE I, SOMATIC; Neurofibromatosis, type I. Identifiers: Orphanet 636, MedGen C0027831, MONDO:0018975, OMIM 162200. Disease mechanism: loss of function.

Submission:

Labcorp Genetics (formerly Invitae), Labcorp
Classification: Pathogenic for Neurofibromatosis, type 1. Last evaluated: 2019-08-17. Review status: criteria provided, single submitter. Criteria: Invitae Variant Classification Sherloc (09022015). Collection method: clinical testing. Allele origin: germline.
Comment: This variant is not present in population databases (ExAC no frequency). This sequence change creates a premature translational stop signal (p.Leu1871Serfs*3) in the NF1 gene. It is expected to result in an absent or disrupted protein product. This variant has not been reported in the literature in individuals with NF1-related conditions. Loss-of-function variants in NF1 are known to be pathogenic (PMID: 10712197, 23913538). For these reasons, this variant has been classified as Pathogenic.

Literature cited by the submitters: PubMed 10712197; PubMed 23913538.

NM_001042492.3(NF1):c.5672_5673insAA (p.Leu1892fs)

Gene: NF1 (neurofibromin 1; plus strand). Cytogenetic location: 17q11.2.
Variant type: Insertion.
Coding change: c.5672_5673insAA on transcript NM_001042492.3 (MANE Select); coding-DNA positions 5672 to 5673, AA inserted.
Protein change: p.Leu1892fs; shifts the reading frame from leucine 1892.
Molecular consequence: frameshift variant.
Genome position: GRCh38 VCF-style: chr17-31330357-C-CAA. GRCh37 (hg19) VCF-style: chr17-29657375-C-CAA.
Other names: c.5609_5610insAA, p.Leu1871Serfs (NM_000267.4); short protein forms L1871fs, L1892fs.
Identifiers: ClinVar variation 957518 (VCV000957518.6), dbSNP rs1135402878, ClinGen allele CA1139665390.